The following is an entry in ClinVar:

NM_002693.3(POLG):c.176C>T (p.Pro59Leu)

Genes: POLG (DNA polymerase gamma, catalytic subunit; minus strand), POLGARF (POLG alternative reading frame; minus strand). Cytogenetic location: 15q26.1.
Variant type: single nucleotide variant.
Coding change: c.176C>T on transcript NM_002693.3 (MANE Select); coding-DNA position 176, C replaced by T.
Protein change: p.Pro59Leu; replaces proline 59 with leucine.
Molecular consequence: missense variant.
Genome position (GRCh38, 1-based): chr15:89,333,579, G>A on the plus strand (C>T on the coding strand, the complement: POLG is on the minus strand). VCF-style: chr15-89333579-G-A. GRCh37 (hg19) VCF-style: chr15-89876810-G-A.
Other names: c.176C>T, p.Pro59Leu (NM_001126131.2); short protein forms P59L.
Identifiers: ClinVar variation 373754 (VCV000373754.5), dbSNP rs1057518590, ClinGen allele CA16042908.

ClinVar aggregate classification (germline): Uncertain significance. Review status: criteria provided, multiple submitters, no conflicts (2 of 4 stars). 3 submissions from 3 submitters: Uncertain significance (3). Last evaluated 2025-11-03.

Conditions:
POLG-related disorder. Also called: POLG-related condition; POLG-Related Disorders; POLG-Related Spectrum Disorders. Identifiers: MedGen C4763519.
Progressive sclerosing poliodystrophy (MTDPS4A). Also called: ALPERS PROGRESSIVE INFANTILE POLIODYSTROPHY; Alpers Syndrome; Mitochondrial DNA depletion syndrome 4A (Alpers type); Alpers-Huttenlocher Syndrome (AHS); Mitochondrial DNA Depletion Syndrome 4A; NEURONAL DEGENERATION OF CHILDHOOD WITH LIVER DISEASE, PROGRESSIVE. Identifiers: Orphanet 726, MedGen C0205710, MONDO:0008758, OMIM 203700.

Submissions (3):

PreventionGenetics, part of Exact Sciences
Classification: Uncertain significance for POLG-related condition. Last evaluated: 2025-11-03. Review status: criteria provided, single submitter. Criteria: ACMG Guidelines, 2015. Collection method: clinical testing. Allele origin: germline.
Comment: The POLG c.176C>T variant is predicted to result in the amino acid substitution p.Pro59Leu. To our knowledge, this variant has not been reported in the literature or in a large population database (gnomAD), indicating this variant is rare. At this time, the clinical significance of this variant is uncertain due to the absence of conclusive functional and genetic evidence.

Labcorp Genetics (formerly Invitae), Labcorp
Classification: Uncertain significance for Progressive sclerosing poliodystrophy. Last evaluated: 2025-03-15. Review status: criteria provided, single submitter. Criteria: Invitae Variant Classification Sherloc (09022015). Collection method: clinical testing. Allele origin: germline.
Comment: This sequence change replaces proline, which is neutral and non-polar, with leucine, which is neutral and non-polar, at codon 59 of the POLG protein (p.Pro59Leu). This variant is not present in population databases (gnomAD no frequency). This variant has not been reported in the literature in individuals affected with POLG-related conditions. ClinVar contains an entry for this variant (Variation ID: 373754). Invitae Evidence Modeling of protein sequence and biophysical properties (such as structural, functional, and spatial information, amino acid conservation, physicochemical variation, residue mobility, and thermodynamic stability) indicates that this missense variant is not expected to disrupt POLG protein function with a negative predictive value of 95%. In summary, the available evidence is currently insufficient to determine the role of this variant in disease. Therefore, it has been classified as a Variant of Uncertain Significance.

GeneDx
Classification: Uncertain significance. Last evaluated: 2016-12-08. Review status: criteria provided, single submitter. Criteria: GeneDx Variant Classification (06012015). Collection method: clinical testing. Allele origin: germline. Affected: yes.
Comment: A variant of uncertain significance has been identified in the POLG gene. The P59L variant has not been published as a pathogenic variant, nor has it been reported as a benign variant to our knowledge. The P59L variant is not observed in large population cohorts (Lek et al., 2016; 1000 Genomes Consortium et al., 2015; Exome Variant Server). The P59L variant is a semi-conservative amino acid substitution, which may impact secondary protein structure as these residues differ in some properties. However, this substitution occurs at a position that is not conserved. In silico analysis is inconsistent in its predictions as to whether or not the variant is damaging to the protein structure/function. Therefore, based on the currently available information, it is unclear whether this variant is a pathogenic variant or a rare benign variant.